The following is an entry in ClinVar:

NM_001355436.2(SPTB):c.1310G>A (p.Trp437Ter)

Gene: SPTB (spectrin beta, erythrocytic; minus strand). Cytogenetic location: 14q23.3.
Variant type: single nucleotide variant.
Coding change: c.1310G>A on transcript NM_001355436.2 (MANE Select); coding-DNA position 1310, G replaced by A.
Protein change: p.Trp437Ter; replaces tryptophan 437 with a stop codon.
Molecular consequence: nonsense.
Genome position (GRCh38, 1-based): chr14:64,796,588, C>T on the plus strand (G>A on the coding strand, the complement: SPTB is on the minus strand). VCF-style: chr14-64796588-C-T. GRCh37 (hg19) VCF-style: chr14-65263306-C-T.
Other names: c.1310G>A, p.Trp437Ter (NM_001024858.4, NM_001355437.2); short protein forms W437*.
Identifiers: ClinVar variation 3356470 (VCV003356470.2).

ClinVar aggregate classification (germline): Likely pathogenic. Review status: criteria provided, single submitter (1 of 4 stars). 2 submissions from 2 submitters: Likely pathogenic (1). 1 of the submissions does not count toward it. Last evaluated 2024-01-10.

Conditions:
SPTB-related disorder. Also called: SPTB-related condition; SPTB-Related Disorders.

Submissions (2):

Revvity Omics, Revvity
Classification: Likely pathogenic. Last evaluated: 2024-01-10. Review status: criteria provided, single submitter. Criteria: ACMG Guidelines, 2015. Collection method: clinical testing. Allele origin: germline.

PreventionGenetics, part of Exact Sciences
Classification: Likely pathogenic for SPTB-related condition. Last evaluated: 2024-08-22. Review status: no assertion criteria provided. Collection method: clinical testing. Allele origin: germline. Not counted in ClinVar's aggregate classification.
Comment: The SPTB c.1310G>A variant is predicted to result in premature protein termination (p.Trp437*). This variant was reported in an individual with hereditary spherocytosis (Wang et al. 2020. PubMed ID: 33014018). This variant has not been reported in a large population database, indicating this variant is rare. Nonsense variants in SPTB are expected to be pathogenic. This variant is interpreted as likely pathogenic.